The following is an entry in ClinVar:

NM_001165963.4(SCN1A):c.458G>A (p.Trp153Ter)

Gene: SCN1A (sodium voltage-gated channel alpha subunit 1; minus strand). Cytogenetic location: 2q24.3.
Variant type: single nucleotide variant.
Coding change: c.458G>A on transcript NM_001165963.4 (MANE Select); coding-DNA position 458, G replaced by A.
Protein change: p.Trp153Ter; replaces tryptophan 153 with a stop codon.
Molecular consequence: nonsense. On other transcripts: 5 prime UTR variant (1), non-coding transcript variant (1).
Genome position (GRCh38, 1-based): chr2:166,056,426, C>T on the plus strand (G>A on the coding strand, the complement: SCN1A is on the minus strand). VCF-style: chr2-166056426-C-T. GRCh37 (hg19) VCF-style: chr2-166912936-C-T.
Other names: c.458G>A, p.Trp153Ter (NM_001165964.3, NM_001202435.3, NM_001353948.2 and 10 more transcripts); c.-1968G>A (NM_001353961.2); c.458G>A (NM_001165963.1); short protein forms W153*.
Identifiers: ClinVar variation 4081047 (VCV004081047.2).

ClinVar aggregate classification (germline): Pathogenic. Review status: criteria provided, multiple submitters, no conflicts (2 of 4 stars). 2 submissions from 2 submitters: Pathogenic (2). Last evaluated 2026-04-07.

Submissions (2):

GeneDx
Classification: Pathogenic. Last evaluated: 2026-04-07. Review status: criteria provided, single submitter. Criteria: GeneDx Variant Classification Process June 2021. Collection method: clinical testing. Allele origin: germline.
Comment: Reported in a patient with borderline Dravet syndrome in published literature (PMID: 21248271); Nonsense variant predicted to result in protein truncation or nonsense mediated decay in a gene for which loss of function is a known mechanism of disease; Not observed at significant frequency in large population cohorts (gnomAD); This variant is associated with the following publications: (PMID: 25525159, 32090326, 35074891, 21248271)

Revvity Omics, Revvity
Classification: Pathogenic. Last evaluated: 2025-05-15. Review status: criteria provided, single submitter. Criteria: ACMG Guidelines, 2015. Collection method: clinical testing. Allele origin: germline.